The following is an entry in ClinVar:

NM_007055.4(POLR3A):c.2989C>T (p.Pro997Ser)

Gene: POLR3A (RNA polymerase III subunit A; minus strand). Cytogenetic location: 10q22.3.
Variant type: single nucleotide variant.
Coding change: c.2989C>T on transcript NM_007055.4 (MANE Select); coding-DNA position 2989, C replaced by T.
Protein change: p.Pro997Ser; replaces proline 997 with serine.
Molecular consequence: missense variant.
Genome position (GRCh38, 1-based): chr10:77,985,985, G>A on the plus strand (C>T on the coding strand, the complement: POLR3A is on the minus strand). VCF-style: chr10-77985985-G-A. GRCh37 (hg19) VCF-style: chr10-79745743-G-A.
Other names: p.(Pro997Ser); short protein forms P997S.
Identifiers: ClinVar variation 4887972 (VCV004887972.1).

ClinVar aggregate classification (germline): Likely pathogenic (1 of 4 stars; one submission).

Conditions:
Leukodystrophy, hypomyelinating, 7, with or without oligodontia and/or hypogonadotropic hypogonadism (HLD7). Also called: LEUKOENCEPHALOPATHY, HYPOMYELINATING, WITH ATAXIA AND DELAYED DENTITION; ATAXIA, DELAYED DENTITION, AND HYPOMYELINATION; Ataxia, Delayed Dentition and Hypomyelination (ADDH); LEUKODYSTROPHY, HYPOMYELINATING, 7, WITH OLIGODONTIA; LEUKODYSTROPHY, HYPOMYELINATING, 7, WITH OLIGODONTIA AND HYPOGONADOTROPIC HYPOGONADISM; LEUKODYSTROPHY, HYPOMYELINATING, 7, WITHOUT OLIGODONTIA OR HYPOGONADOTROPIC HYPOGONADISM. Identifiers: Orphanet 137639, Orphanet 447893, Orphanet 447896, Orphanet 77295, Orphanet 88637, MedGen CN034185, MONDO:0011897, OMIM 607694.

Submission:

Department of Medical Genetics, Eskisehir Osmangazi University, Faculty Of Medicine
Classification: Likely pathogenic for Leukodystrophy, hypomyelinating, 7, with or without oligodontia and/or hypogonadotropic hypogonadism. Last evaluated: 2026-08-30. Review status: criteria provided, single submitter. Criteria: ACMG Guidelines, 2015. Collection method: clinical testing. Allele origin: maternal. Inheritance: Autosomal recessive inheritance. Affected: yes. Observed: 1 variant allele, 1 heterozygote.
Comment: The variant was not observed in gnomAD. The c.2102G>T (p.Gly701Val) variant was independently classified as likely pathogenic. Considering the rarity of the variant, the confirmed trans configuration with a likely pathogenic POLR3A variant, the established role of missense variation in POLR3A-related disease, and the highly characteristic phenotype, we classify c.2989C>T (p.Pro997Ser) as likely pathogenic according to ACMG/AMP guidelines.

Literature cited by the submitters: PubMed 21855841; PubMed 25339210.